The following is an entry in ClinVar:

ClinVar aggregate classification (germline): Uncertain significance (1 of 4 stars; one submission).

Conditions:
Aortic aneurysm, familial thoracic 7 (AAT7). Also called: AORTIC DISSECTION, FAMILIAL, WITH OR WITHOUT AORTIC ANEURYSM. Identifiers: MedGen C3151077, MONDO:0013418, OMIM 613780.

Submission:

Labcorp Genetics (formerly Invitae), Labcorp
Classification: Uncertain significance for Aortic aneurysm, familial thoracic 7. Last evaluated: 2020-01-31. Review status: criteria provided, single submitter. Criteria: Invitae Variant Classification Sherloc (09022015). Collection method: clinical testing. Allele origin: germline.
Comment: This variant occurs in the long isoform of MYLK (PMID: 21055718). The current clinical and genetic evidence is not sufficient to establish whether loss-of-function variants in the long isoform of MYLK cause disease. This variant has not been reported in the literature in individuals with MYLK-related conditions. This variant is not present in population databases (ExAC no frequency). This sequence change creates a premature translational stop signal (p.Ser210*) in the MYLK gene. It is expected to result in an absent or disrupted protein product. In summary, the available evidence is currently insufficient to determine the role of this variant in disease. Therefore, it has been classified as a Variant of Uncertain Significance.

Literature cited by the submitters: PubMed 21055718.

NM_053025.4(MYLK):c.627_628del (p.Val209_Ser210insTer)

Gene: MYLK (myosin light chain kinase; minus strand). Cytogenetic location: 3q21.1.
Variant type: Microsatellite.
Coding change: c.627_628del on transcript NM_053025.4 (MANE Select); coding-DNA positions 627 to 628, 2 bases deleted (GT; older notation c.627_628delGT).
Protein change: p.Val209_Ser210insTer.
Molecular consequence: frameshift variant.
Genome position (GRCh38, 1-based): chr3:123,737,504-123,737,505, AC deleted on the plus strand (GT on the coding strand, the reverse complement: MYLK is on the minus strand); deleting any 2 consecutive bases within chr3:123,737,504-123,737,508 gives the same sequence; the c. name uses the placement nearest the transcript's 3' end. VCF-style (leftmost placement, unchanged base first): chr3-123737503-GAC-G. GRCh37 (hg19) VCF-style: chr3-123456350-GAC-G.
Other names: c.99_100del, p.Val33_Ser34insTer (NM_001321309.2); c.627_628del, p.Val209_Ser210insTer (NM_053026.4, NM_053027.4, NM_053028.4).
Identifiers: ClinVar variation 1044673 (VCV001044673.9), dbSNP rs2062717894, ClinGen allele CA1053040379.